The following is an entry in ClinVar:

NM_002103.5(GYS1):c.2122C>G (p.Arg708Gly)

Gene: GYS1 (glycogen synthase 1; minus strand). Cytogenetic location: 19q13.33.
Variant type: single nucleotide variant.
Coding change: c.2122C>G on transcript NM_002103.5 (MANE Select); coding-DNA position 2122, C replaced by G.
Protein change: p.Arg708Gly; replaces arginine 708 with glycine.
Molecular consequence: missense variant. On other transcripts: non-coding transcript variant (1).
Genome position (GRCh38, 1-based): chr19:48,969,380, G>C on the plus strand (C>G on the coding strand, the complement: GYS1 is on the minus strand). VCF-style: chr19-48969380-G-C. GRCh37 (hg19) VCF-style: chr19-49472637-G-C.
Other names: c.1930C>G, p.Arg644Gly (NM_001161587.2); short protein forms R644G, R708G.
Identifiers: ClinVar variation 844469 (VCV000844469.8), dbSNP rs776737199, ClinGen allele CA9562703.

ClinVar aggregate classification (germline): Uncertain significance. Review status: criteria provided, multiple submitters, no conflicts (2 of 4 stars). 2 submissions from 2 submitters: Uncertain significance (2). Last evaluated 2024-11-14.

Conditions:
Glycogen storage disease due to muscle and heart glycogen synthase deficiency. Also called: GSD 0b; MUSCLE GLYCOGEN SYNTHASE DEFICIENCY. Identifiers: Orphanet 137625, MedGen C1969054, MONDO:0012693, OMIM 611556.
Inborn genetic diseases. Identifiers: MedGen C0950123, MeSH D030342.

Allele frequency attached by ClinVar (database versions not stated): TOPMed 0.00002; gnomAD exomes 0.00003.
gnomAD v4.1: 79 of 1,571,058 alleles (0.005%); highest among the groups gnomAD compares: Non-Finnish European, 0.0067%; no homozygotes.

Submissions (2):

Ambry Genetics
Classification: Uncertain significance for Inborn genetic diseases. Last evaluated: 2024-11-14. Review status: criteria provided, single submitter. Criteria: Ambry Variant Classification Scheme 2023. Collection method: clinical testing. Allele origin: germline.

Labcorp Genetics (formerly Invitae), Labcorp
Classification: Uncertain significance for Glycogen storage disease due to muscle and heart glycogen synthase deficiency. Last evaluated: 2022-04-20. Review status: criteria provided, single submitter. Criteria: Invitae Variant Classification Sherloc (09022015). Collection method: clinical testing. Allele origin: germline.
Comment: This sequence change replaces arginine, which is basic and polar, with glycine, which is neutral and non-polar, at codon 708 of the GYS1 protein (p.Arg708Gly). This variant is present in population databases (rs776737199, gnomAD 0.005%). This variant has not been reported in the literature in individuals affected with GYS1-related conditions. ClinVar contains an entry for this variant (Variation ID: 844469). Algorithms developed to predict the effect of missense changes on protein structure and function are either unavailable or do not agree on the potential impact of this missense change (SIFT: "Deleterious"; PolyPhen-2: "Benign"; Align-GVGD: "Class C0"). In summary, the available evidence is currently insufficient to determine the role of this variant in disease. Therefore, it has been classified as a Variant of Uncertain Significance.